The following is an entry in ClinVar:

GRCh38/hg38 2q23.1(chr2:148029482-148303194)x1

Genes: MBD5 (methyl-CpG binding domain protein 5; plus strand), LOC126806367 (BRD4-independent group 4 enhancer GRCh37_chr2:149016781-149017980; plus strand), LOC129934888 (ATAC-STARR-seq lymphoblastoid active region 16615; plus strand). Cytogenetic location: 2q23.1.
Variant type: copy number loss.
Change: copy number 1 (one copy instead of two) of chr2:148,029,482-148,303,194 (273.7 kb, GRCh38 coordinates, 1-based), cytogenetic band 2q23.1.
Identifiers: ClinVar variation 148899 (VCV000148899.3).

ClinVar aggregate classification (germline): Uncertain significance (0 of 4 stars; one submission).

Submission:

ISCA site 1
Classification: Uncertain significance. Last evaluated: 2018-02-16. Review status: no assertion criteria provided. Collection method: clinical testing. Allele origin: unknown. Affected: yes. Observed: 1 variant allele.
Comment: This case was only deleting noncoding exons.

Copy number variation identified through the course of routine clinical cytogenomic testing in postnatal populations, with clinical assertions as classified by the original submitter. For data from the original published study, Kaminsky, et al. 2011 (PubMed 21844811), please see nstd101.